The following is an entry in ClinVar:

ClinVar aggregate classification (germline): Likely pathogenic. Review status: criteria provided, multiple submitters, no conflicts (2 of 4 stars). 3 submissions from 3 submitters: Likely pathogenic (3). Last evaluated 2024-03-13.

Conditions:
Myopathy. Identifiers: MedGen C0026848, MeSH D009135, MONDO:0005336, HP:0003198.
Marfan syndrome (MFS). Also called: FBN1-Related Marfan Syndrome; Marfan syndrome type 1; Marfan's syndrome; Marfan syndrome, classic; MARFAN SYNDROME, TYPE I. Identifiers: Orphanet 284963, Orphanet 558, MedGen C0024796, MONDO:0007947, OMIM 154700.
FBN1-related disorder. Also called: FBN1-related disorders.

Submissions (3):

Blueprint Genetics
Classification: Likely pathogenic for FBN1-related disorders. Last evaluated: 2024-03-13. Review status: criteria provided, single submitter. Criteria: ACMG Guidelines, 2015. Collection method: clinical testing. Allele origin: germline. Affected: yes. Observed: 2 variant alleles.

Petrovsky National Research Centre of Surgery, The Federal Agency for Scientific Organizations
Classification: Likely pathogenic for Marfan syndrome. Last evaluated: 2023-11-03. Review status: criteria provided, single submitter. Criteria: ACMG Guidelines, 2015. Collection method: clinical testing. Allele origin: germline. Affected: yes.
Comment: Zygosity (cis-/trans- position) of these two variants in the FBN1 gene remains unknown. NM_000138:c.7819G>A variant is absent in The Genome Aggregation Database (gnomAD) v2.1.1 and v.4.0.0 (Date of access with 03-11-2023). Clinvar contains an entry for this variant (Variation ID: 636638). This variant has been reported in 1 study in patient with Marfan Syndrome (PMID: 20886638). Missense in silico predictors and splice site prediction show pathogenic result of the nucleotide change (SpliceAI). In accordance with ClinGen FBN1 Expert Panel Specifications to the ACMG/AMP Variant Interpretation Guidelines Version 1 this variant is classified as Likely Pathogenic with following criteria selected: PM1, PM2_supporting, PP2, PP3, PP4.

Human Genetics Bochum, Ruhr University Bochum
Classification: Likely pathogenic for Myopathy. Last evaluated: 2022-02-17. Review status: criteria provided, single submitter. Criteria: ACMG Guidelines, 2015. Collection method: clinical testing. Allele origin: germline. Affected: yes.
Comment: ACMG criteria used to clasify this variant: PM1, PM5, PM2_SUP, PP2, PP3

Literature cited by the submitters: PubMed 20886638 (cited by Petrovsky National Research Centre of Surgery, The Federal Agency for Scientific Organizations).

NM_000138.5(FBN1):c.7819G>A (p.Asp2607Asn)

Gene: FBN1 (fibrillin 1; minus strand). Cytogenetic location: 15q21.1.
Variant type: single nucleotide variant.
Coding change: c.7819G>A on transcript NM_000138.5 (MANE Select); coding-DNA position 7819, G replaced by A.
Protein change: p.Asp2607Asn; replaces aspartic acid 2607 with asparagine.
Molecular consequence: missense variant.
Genome position (GRCh38, 1-based): chr15:48,420,687, C>T on the plus strand (G>A on the coding strand, the complement: FBN1 is on the minus strand). VCF-style: chr15-48420687-C-T. GRCh37 (hg19) VCF-style: chr15-48712884-C-T.
Other names: p.Asp2607Asn; short protein forms D2607N.
Identifiers: ClinVar variation 636638 (VCV000636638.5), dbSNP rs1597512576, ClinGen allele CA392324385.